The following is an entry in ClinVar:

NM_198576.4(AGRN):c.3695G>A (p.Arg1232His)

Gene: AGRN (agrin; plus strand). Cytogenetic location: 1p36.33.
Variant type: single nucleotide variant.
Coding change: c.3695G>A on transcript NM_198576.4 (MANE Select); coding-DNA position 3695, G replaced by A.
Protein change: p.Arg1232His; replaces arginine 1232 with histidine.
Molecular consequence: missense variant.
Genome position (GRCh38, 1-based): chr1:1,047,839, G>A. VCF-style: chr1-1047839-G-A. GRCh37 (hg19) VCF-style: chr1-983219-G-A.
Other names: c.3695G>A, p.Arg1232His (NM_001305275.2); c.3380G>A, p.Arg1127His (NM_001364727.2); short protein forms R1127H, R1232H.
Identifiers: ClinVar variation 650663 (VCV000650663.8), dbSNP rs746435538, ClinGen allele CA509190.

ClinVar aggregate classification (germline): Uncertain significance (1 of 4 stars; one submission).

Conditions:
Congenital myasthenic syndrome 8. Also called: Myasthenic syndrome, congenital, 8, with pre- and postsynaptic defects; MYASTHENIC SYNDROME, CONGENITAL, DUE TO AGRIN DEFICIENCY. Identifiers: Orphanet 590, MedGen C3808739, MONDO:0014052, OMIM 615120.

Allele frequency attached by ClinVar (database versions not stated): TOPMed 0.00001.
gnomAD v4.1: 19 of 1,605,218 alleles (0.0012%); highest among the groups gnomAD compares: East Asian, 0.0045%; no homozygotes.

Submission:

Labcorp Genetics (formerly Invitae), Labcorp
Classification: Uncertain significance for Congenital myasthenic syndrome 8. Last evaluated: 2022-09-27. Review status: criteria provided, single submitter. Criteria: Invitae Variant Classification Sherloc (09022015). Collection method: clinical testing. Allele origin: germline.
Comment: ClinVar contains an entry for this variant (Variation ID: 650663). In summary, the available evidence is currently insufficient to determine the role of this variant in disease. Therefore, it has been classified as a Variant of Uncertain Significance. Algorithms developed to predict the effect of missense changes on protein structure and function are either unavailable or do not agree on the potential impact of this missense change (SIFT: "Tolerated"; PolyPhen-2: "Probably Damaging"; Align-GVGD: "Class C0"). This variant has not been reported in the literature in individuals affected with AGRN-related conditions. This variant is present in population databases (rs746435538, gnomAD 0.005%). This sequence change replaces arginine, which is basic and polar, with histidine, which is basic and polar, at codon 1232 of the AGRN protein (p.Arg1232His).